The following is an entry in ClinVar:

NM_004064.5(CDKN1B):c.484A>G (p.Thr162Ala)

Gene: CDKN1B (cyclin dependent kinase inhibitor 1B; plus strand). Cytogenetic location: 12p13.1.
Variant type: single nucleotide variant.
Coding change: c.484A>G on transcript NM_004064.5 (MANE Select); coding-DNA position 484, A replaced by G.
Protein change: p.Thr162Ala; replaces threonine 162 with alanine.
Molecular consequence: missense variant.
Genome position (GRCh38, 1-based): chr12:12,718,833, A>G. VCF-style: chr12-12718833-A-G. GRCh37 (hg19) VCF-style: chr12-12871767-A-G.
Other names: short protein forms T162A.
Identifiers: ClinVar variation 825227 (VCV000825227.5), dbSNP rs769509212, ClinGen allele CA6457549.

ClinVar aggregate classification (germline): Uncertain significance. Review status: criteria provided, multiple submitters, no conflicts (2 of 4 stars). 2 submissions from 2 submitters: Uncertain significance (2). Last evaluated 2026-01-08.

Conditions:
Multiple endocrine neoplasia type 4. Also called: MULTIPLE ENDOCRINE NEOPLASIA, TYPE IV. Identifiers: Orphanet 276152, MedGen C1970712, MONDO:0012552, OMIM 610755.
Hereditary cancer-predisposing syndrome. Also called: Neoplastic Syndromes, Hereditary; Hereditary Cancer Syndrome; Hereditary neoplastic syndrome; Tumor predisposition. Identifiers: Orphanet 140162, MedGen C0027672, MeSH D009386, MONDO:0015356.

Allele frequency attached by ClinVar (database versions not stated): gnomAD exomes below 0.00001 and 0.00001; TOPMed below 0.00001; ExAC 0.00001; gnomAD 0.00001.
gnomAD v4.1: 4 of 1,613,928 alleles (0.00025%); highest among the groups gnomAD compares: Non-Finnish European, 0.00034%; no homozygotes.

Submissions (2):

Labcorp Genetics (formerly Invitae), Labcorp
Classification: Uncertain significance for Multiple endocrine neoplasia type 4. Last evaluated: 2026-01-08. Review status: criteria provided, single submitter. Criteria: Invitae Variant Classification Sherloc (09022015). Collection method: clinical testing. Allele origin: germline.
Comment: This sequence change replaces threonine, which is neutral and polar, with alanine, which is neutral and non-polar, at codon 162 of the CDKN1B protein (p.Thr162Ala). This variant is present in population databases (rs769509212, gnomAD 0.0009%). This variant has not been reported in the literature in individuals affected with CDKN1B-related conditions. ClinVar contains an entry for this variant (Variation ID: 825227). An algorithm developed to predict the effect of missense changes on protein structure and function (PolyPhen-2) suggests that this variant is likely to be tolerated. In summary, the available evidence is currently insufficient to determine the role of this variant in disease. Therefore, it has been classified as a Variant of Uncertain Significance.

Ambry Genetics
Classification: Uncertain significance for Hereditary cancer-predisposing syndrome. Last evaluated: 2018-06-11. Review status: criteria provided, single submitter. Criteria: Ambry Variant Classification Scheme 2023. Collection method: clinical testing. Allele origin: germline.
Comment: The p.T162A variant (also known as c.484A>G), located in coding exon 2 of the CDKN1B gene, results from an A to G substitution at nucleotide position 484. The threonine at codon 162 is replaced by alanine, an amino acid with similar properties. This amino acid position is poorly conserved in available vertebrate species. In addition, this alteration is predicted to be tolerated by in silico analysis. Since supporting evidence is limited at this time, the clinical significance of this alteration remains unclear.